The following is an entry in ClinVar:

NM_006118.4(HAX1):c.376C>T (p.Arg126Trp)

Gene: HAX1 (HCLS1 associated protein X-1; plus strand). Cytogenetic location: 1q21.3.
Variant type: single nucleotide variant.
Coding change: c.376C>T on transcript NM_006118.4 (MANE Select); coding-DNA position 376, C replaced by T.
Protein change: p.Arg126Trp; replaces arginine 126 with tryptophan.
Molecular consequence: missense variant.
Genome position (GRCh38, 1-based): chr1:154,273,833, C>T. VCF-style: chr1-154273833-C-T. GRCh37 (hg19) VCF-style: chr1-154246309-C-T.
Other names: p.Arg126Trp; c.232C>T, p.Arg78Trp (NM_001018837.2); short protein forms R126W, R78W.
Identifiers: ClinVar variation 561149 (VCV000561149.9), dbSNP rs765538745, ClinGen allele CA1127334.
Genomic context (GRCh38, chr1:154,273,833, plus strand): 5'-GAACTTCCAGGTCCTGAGTCAGAGACACCTGGTGAGAGACTACGGGAGGGACAGACACTT[C>T]GGGACTCAATGCTTAAGTATCCAGATAGTCACCAGCCCAGGATCTTTGGGGGGGTCTTGG-3'
Protein context (NP_006109.2, residues 116-136): GERLREGQTL[Arg126Trp]DSMLKYPDSH

ClinVar aggregate classification (germline): Uncertain significance. Review status: criteria provided, multiple submitters, no conflicts (2 of 4 stars). 4 submissions from 4 submitters: Uncertain significance (4). Last evaluated 2023-11-10.

Conditions:
Kostmann syndrome (SCN3). Also called: Autosomal recessive severe congenital neutropenia type 3; KOSTMANN DISEASE. Identifiers: Orphanet 99749, MedGen C5235141, MONDO:0012548, OMIM 610738.

Allele frequency attached by ClinVar (database versions not stated): ExAC 0.00002; gnomAD exomes 0.00002 and 0.00003; gnomAD 0.00003 and 0.00004; TOPMed 0.00004.
gnomAD v4.1: 54 of 1,613,938 alleles (0.0033%); highest among the groups gnomAD compares: Admixed American, 0.005%; no homozygotes.

Submissions (4):

Daryl Scott Lab, Baylor College of Medicine
Classification: Uncertain significance for Kostmann syndrome. Last evaluated: 2023-11-10. Review status: criteria provided, single submitter. Criteria: ACMG Guidelines, 2015. Collection method: clinical testing. Allele origin: biparental. Affected: yes.

Labcorp Genetics (formerly Invitae), Labcorp
Classification: Uncertain significance for Kostmann syndrome. Last evaluated: 2021-12-19. Review status: criteria provided, single submitter. Criteria: Invitae Variant Classification Sherloc (09022015). Collection method: clinical testing. Allele origin: germline.
Comment: This sequence change replaces arginine, which is basic and polar, with tryptophan, which is neutral and slightly polar, at codon 126 of the HAX1 protein (p.Arg126Trp). This variant is present in population databases (rs765538745, gnomAD 0.006%). This variant has not been reported in the literature in individuals affected with HAX1-related conditions. ClinVar contains an entry for this variant (Variation ID: 561149). Algorithms developed to predict the effect of missense changes on protein structure and function are either unavailable or do not agree on the potential impact of this missense change (SIFT: "Tolerated"; PolyPhen-2: "Possibly Damaging"; Align-GVGD: "Class C0"). In summary, the available evidence is currently insufficient to determine the role of this variant in disease. Therefore, it has been classified as a Variant of Uncertain Significance.

Mayo Clinic Laboratories, Mayo Clinic
Classification: Uncertain significance. Last evaluated: 2021-08-24. Review status: criteria provided, single submitter. Criteria: ACMG Guidelines, 2015. Collection method: clinical testing. Allele origin: germline.

Baylor Genetics
Classification: Uncertain significance for Kostmann syndrome. Last evaluated: 2017-09-01. Review status: criteria provided, single submitter. Criteria: ACMG Guidelines, 2015. Collection method: clinical testing. Allele origin: maternal. Inheritance: Autosomal recessive inheritance. Affected: yes.
Comment: Mutation affects both isoforms of the gene, which have been associated with neurologic symptoms (PMID: 21108402).

Literature cited by the submitters: PubMed 25326635 (cited by Baylor Genetics).